The following is an entry in ClinVar:

NM_020638.3(FGF23):c.620C>A (p.Ser207Ter)

Gene: FGF23 (fibroblast growth factor 23; minus strand). Cytogenetic location: 12p13.32.
Variant type: single nucleotide variant.
Coding change: c.620C>A on transcript NM_020638.3 (MANE Select); coding-DNA position 620, C replaced by A.
Protein change: p.Ser207Ter; replaces serine 207 with a stop codon.
Molecular consequence: nonsense.
Genome position (GRCh38, 1-based): chr12:4,370,479, G>T on the plus strand (C>A on the coding strand, the complement: FGF23 is on the minus strand). VCF-style: chr12-4370479-G-T. GRCh37 (hg19) VCF-style: chr12-4479645-G-T.
Other names: short protein forms S207*.
Identifiers: ClinVar variation 3673796 (VCV003673796.2).

ClinVar aggregate classification (germline): Uncertain significance (1 of 4 stars; one submission).

Submission:

Labcorp Genetics (formerly Invitae), Labcorp
Classification: Uncertain significance. Last evaluated: 2024-09-22. Review status: criteria provided, single submitter. Criteria: Invitae Variant Classification Sherloc (09022015). Collection method: clinical testing. Allele origin: germline.
Comment: This sequence change creates a premature translational stop signal (p.Ser207*) in the FGF23 gene. While this is not anticipated to result in nonsense mediated decay, it is expected to disrupt the last 45 amino acid(s) of the FGF23 protein. This variant is not present in population databases (gnomAD no frequency). This variant has not been reported in the literature in individuals affected with FGF23-related conditions. Experimental studies and prediction algorithms are not available or were not evaluated, and the functional significance of this variant is currently unknown. In summary, the available evidence is currently insufficient to determine the role of this variant in disease. Therefore, it has been classified as a Variant of Uncertain Significance.